The following is an entry in ClinVar:

NM_001042413.2(GLIS3):c.2089G>A (p.Val697Met)

Genes: GLIS3 (GLIS family zinc finger 3; minus strand), GLIS3-AS1 (GLIS3 antisense RNA 1; plus strand). Cytogenetic location: 9p24.2.
Variant type: single nucleotide variant.
Coding change: c.2089G>A on transcript NM_001042413.2 (MANE Select); coding-DNA position 2089, G replaced by A.
Protein change: p.Val697Met; replaces valine 697 with methionine.
Molecular consequence: missense variant. On other transcripts: non-coding transcript variant (1).
Genome position (GRCh38, 1-based): chr9:3,898,730, C>T on the plus strand (G>A on the coding strand, the complement: GLIS3 is on the minus strand). VCF-style: chr9-3898730-C-T. GRCh37 (hg19) VCF-style: chr9-3898730-C-T.
Other names: c.1624G>A, p.Val542Met (NM_152629.4); short protein forms V542M, V697M.
Identifiers: ClinVar variation 730580 (VCV000730580.19), dbSNP rs148816140, ClinGen allele CA4967960.

ClinVar aggregate classification (germline): Conflicting classifications of pathogenicity. Review status: criteria provided, conflicting classifications (1 of 4 stars). 8 submissions from 8 submitters: Uncertain significance (2); Likely benign (3). 3 of the submissions do not count toward it. Last evaluated 2026-01-21.

Conditions:
Inborn genetic diseases. Identifiers: MedGen C0950123, MeSH D030342.
Neonatal diabetes mellitus with congenital hypothyroidism. Also called: NDH SYNDROME. Identifiers: Orphanet 79118, MedGen C1857775, MONDO:0012436, OMIM 610199.
Monogenic diabetes. Identifiers: Orphanet 183625, MedGen C3888631, MONDO:0015967.

Allele frequency attached by ClinVar (database versions not stated): gnomAD exomes 0.00064; ExAC 0.00075; 1000 Genomes Project 30x 0.00172; 1000 Genomes Project 0.00200; gnomAD 0.00213 and 0.00229; TOPMed 0.00243; ESP Exome Variant Server 0.00323.
gnomAD v4.1: 676 of 1,614,140 alleles (0.042%); highest among the groups gnomAD compares: African/African-American, 0.75%; 4 homozygotes.

Submissions (8):

Labcorp Genetics (formerly Invitae), Labcorp
Classification: Likely benign. Last evaluated: 2026-01-21. Review status: criteria provided, single submitter. Criteria: Invitae Variant Classification Sherloc (09022015). Collection method: clinical testing. Allele origin: germline.

Ambry Genetics
Classification: Uncertain significance for Inborn genetic diseases. Last evaluated: 2021-08-10. Review status: criteria provided, single submitter. Criteria: Ambry Variant Classification Scheme 2023. Collection method: clinical testing. Allele origin: germline.

Personalized Diabetes Medicine Program, University of Maryland School of Medicine
Classification: Likely benign for Monogenic diabetes. Last evaluated: 2019-02-01. Review status: criteria provided, single submitter. Criteria: ACMG Guidelines, 2015. Collection method: research. Allele origin: unknown. Observed: 1 variant allele, 1 heterozygote.
Comment: ACMG criteria: BP4 (REVEL 0.039 + 10 predictors), BS1 (0.8% MAF in gnomAD African) = likely benign

Illumina Laboratory Services, Illumina
Classification: Likely benign for Neonatal diabetes mellitus with congenital hypothyroidism. Last evaluated: 2018-01-12. Review status: criteria provided, single submitter. Criteria: ICSL Variant Classification Criteria 13 December 2019. Collection method: clinical testing. Allele origin: germline.
Comment: This variant was observed in the ICSL laboratory as part of a predisposition screen in an ostensibly healthy population. It had not been previously curated by ICSL or reported in the Human Gene Mutation Database (HGMD: prior to June 1st, 2018), and was therefore a candidate for classification through an automated scoring system. Utilizing variant allele frequency, disease prevalence and penetrance estimates, and inheritance mode, an automated score was calculated to assess if this variant is too frequent to cause the disease. Based on the score and internal cut-off values, a variant classified as likely benign is not then subjected to further curation. The score for this variant resulted in a classification of likely benign for this disease.

Clinical Genomics, Uppaluri K&H Personalized Medicine Clinic
Classification: Uncertain significance for Neonatal diabetes mellitus with congenital hypothyroidism. Review status: criteria provided, single submitter. Criteria: K & H Uppaluri Personalized Medicine Clinic Variant Classification & Assertion Criteria_Updated V.1. Collection method: research. Allele origin: unknown.
Comment: Potent mutations in GLIS3 predisposes to neonatal diabetes mellitus with an extra pancreatic manifestation of hypothyroidism. It also predisposes to early onset diabetes in adults.However no sufficient evidence is found to ascertain the role of this particular variant rs148816140, yet.

Genetic Services Laboratory, University of Chicago
Classification: Likely benign. Last evaluated: 2022-11-21. Review status: no assertion criteria provided. Collection method: clinical testing. Allele origin: germline. Affected: no. Not counted in ClinVar's aggregate classification.

Clinical Genetics, Academic Medical Center
Classification: Likely benign. Review status: no assertion criteria provided. Collection method: clinical testing. Allele origin: germline. Affected: yes. Study: VKGL Data-share Consensus. Not counted in ClinVar's aggregate classification.

Laboratory of Diagnostic Genome Analysis, Leiden University Medical Center (LUMC)
Classification: Likely benign. Review status: no assertion criteria provided. Collection method: clinical testing. Allele origin: germline. Affected: yes. Study: VKGL Data-share Consensus. Not counted in ClinVar's aggregate classification.

Literature cited by the submitters: PubMed 32693112 (cited by Clinical Genomics, Uppaluri K&H Personalized Medicine Clinic); PubMed 27899417 (cited by Clinical Genomics, Uppaluri K&H Personalized Medicine Clinic); PubMed 29992946 (cited by Clinical Genomics, Uppaluri K&H Personalized Medicine Clinic); PubMed 35394098 (cited by Clinical Genomics, Uppaluri K&H Personalized Medicine Clinic); PubMed 29146476 (cited by Clinical Genomics, Uppaluri K&H Personalized Medicine Clinic).